The following is an entry in ClinVar:

NM_001267550.2(TTN):c.21404-3_21404-1delinsA

Genes: TTN (titin; minus strand), LOC126806428 (BRD4-independent group 4 enhancer GRCh37_chr2:179588362-179589561; plus strand). Cytogenetic location: 2q31.2.
Variant type: Indel.
Coding change: c.21404-3_21404-1delinsA on transcript NM_001267550.2 (MANE Select); 3 bases into the intron before coding-DNA position 21404 through the canonical splice acceptor site of the intron before coding-DNA position 21404, TAG replaced by A.
Molecular consequence: splice acceptor variant. On other transcripts: intron variant (3).
Genome position (GRCh38, 1-based): chr2:178,723,697-178,723,699, CTA replaced by T on the plus strand (TAG replaced by A on the coding strand, the reverse complement: TTN is on the minus strand). VCF-style: chr2-178723697-CTA-T. GRCh37 (hg19) VCF-style: chr2-179588424-CTA-T.
Other names: c.13282+14383_13282+14385delinsA (NM_003319.4); c.13858+14383_13858+14385delinsA (NM_133437.4); c.13657+14383_13657+14385delinsA (NM_133432.3); c.17672-3_17672-1delinsA (NM_133378.4); c.20453-3_20453-1delinsA (NM_001256850.1).
Identifiers: ClinVar variation 970815 (VCV000970815.6), dbSNP rs2078833835, ClinGen allele CA1139657517.

ClinVar aggregate classification (germline): Pathogenic (1 of 4 stars; one submission).

Conditions:
Dilated cardiomyopathy 1G (CMD1G). Identifiers: Orphanet 154, MedGen C1858763, MONDO:0011400, OMIM 604145.
Autosomal recessive limb-girdle muscular dystrophy type 2J (LGMDR10). Also called: Limb-girdle muscular dystrophy, type 2J; MUSCULAR DYSTROPHY, LIMB-GIRDLE, AUTOSOMAL RECESSIVE 10. Identifiers: Orphanet 140922, MedGen C1837342, MONDO:0012127, OMIM 608807.

Submission:

Labcorp Genetics (formerly Invitae), Labcorp
Classification: Pathogenic for Dilated cardiomyopathy 1G; Autosomal recessive limb-girdle muscular dystrophy type 2J. Last evaluated: 2024-03-04. Review status: criteria provided, single submitter. Criteria: Invitae Variant Classification Sherloc (09022015). Collection method: clinical testing. Allele origin: germline.
Comment: This sequence change affects an acceptor splice site in intron 73 of the TTN gene. It is expected to disrupt RNA splicing and likely results in a truncated or disrupted TTN protein. Information on the frequency of this variant in the gnomAD database is not available, as this variant may be reported differently in the database. Disruption of this splice site has been observed in individual(s) with clinical features of autosomal recessive centronuclear myopathy (Invitae). In at least one individual the data is consistent with being in trans (on the opposite chromosome) from a pathogenic variant. This variant is located in the I band of TTN (PMID: 25589632). Truncating variants in this region have been reported in individuals affected with autosomal recessive centronuclear myopathy (PMID: 23975875, Invitae internal data). Truncating variants in this region have also been identified in individuals affected with autosomal dominant dilated cardiomyopathy and/or cardio-related conditions (PMID: 27869827, 32964742, Invitae internal data). For these reasons, this variant has been classified as Pathogenic.

Literature cited by the submitters: PubMed 25589632; PubMed 23975875; PubMed 27869827; PubMed 32964742.